The following is an entry in ClinVar:

ClinVar aggregate classification (germline): Uncertain significance (1 of 4 stars; one submission).

Conditions:
Hereditary nonpolyposis colorectal neoplasms. Identifiers: MedGen C0009405, MeSH D003123.

Submission:

Labcorp Genetics (formerly Invitae), Labcorp
Classification: Uncertain significance for Hereditary nonpolyposis colorectal neoplasms. Last evaluated: 2024-01-17. Review status: criteria provided, single submitter. Criteria: Invitae Variant Classification Sherloc (09022015). Collection method: clinical testing. Allele origin: germline.
Comment: This sequence change replaces phenylalanine, which is neutral and non-polar, with leucine, which is neutral and non-polar, at codon 1174 of the MSH6 protein (p.Phe1174Leu). This variant is not present in population databases (gnomAD no frequency). This variant has not been reported in the literature in individuals affected with MSH6-related conditions. ClinVar contains an entry for this variant (Variation ID: 1347029). Advanced modeling of protein sequence and biophysical properties (such as structural, functional, and spatial information, amino acid conservation, physicochemical variation, residue mobility, and thermodynamic stability) has been performed at Invitae for this missense variant, however the output from this modeling did not meet the statistical confidence thresholds required to predict the impact of this variant on MSH6 protein function. In summary, the available evidence is currently insufficient to determine the role of this variant in disease. Therefore, it has been classified as a Variant of Uncertain Significance.

NM_000179.3(MSH6):c.3520T>C (p.Phe1174Leu)

Gene: MSH6 (mutS homolog 6; plus strand). Cytogenetic location: 2p16.3.
Variant type: single nucleotide variant.
Coding change: c.3520T>C on transcript NM_000179.3 (MANE Select); coding-DNA position 3520, T replaced by C.
Protein change: p.Phe1174Leu; replaces phenylalanine 1174 with leucine.
Molecular consequence: missense variant.
Genome position (GRCh38, 1-based): chr2:47,804,991, T>C. VCF-style: chr2-47804991-T-C. GRCh37 (hg19) VCF-style: chr2-48032130-T-C.
Other names: c.3130T>C, p.Phe1044Leu (NM_001281492.2); c.2614T>C, p.Phe872Leu (NM_001281493.2, NM_001281494.2); short protein forms F1174L, F1044L, F872L.
Identifiers: ClinVar variation 1347029 (VCV001347029.8), dbSNP rs1669876490, ClinGen allele CA346760210.